The following is an entry in ClinVar:

ClinVar aggregate classification (germline): Uncertain significance (1 of 4 stars; one submission).

Allele frequency attached by ClinVar (database versions not stated): TOPMed below 0.00001; gnomAD exomes 0.00001.
gnomAD v4.1: 9 of 1,613,358 alleles (0.00056%); highest among the groups gnomAD compares: Non-Finnish European, 0.00076%; no homozygotes.

Submission:

Labcorp Genetics (formerly Invitae), Labcorp
Classification: Uncertain significance. Last evaluated: 2022-04-03. Review status: criteria provided, single submitter. Criteria: Invitae Variant Classification Sherloc (09022015). Collection method: clinical testing. Allele origin: germline.
Comment: In summary, the available evidence is currently insufficient to determine the role of this variant in disease. Therefore, it has been classified as a Variant of Uncertain Significance. Algorithms developed to predict the effect of sequence changes on RNA splicing suggest that this variant may disrupt the consensus splice site. This variant has not been reported in the literature in individuals affected with PRPF3-related conditions. This variant is present in population databases (no rsID available, gnomAD 0.0009%). This sequence change falls in intron 4 of the PRPF3 gene. It does not directly change the encoded amino acid sequence of the PRPF3 protein.

NM_004698.4(PRPF3):c.424-20A>G

Gene: PRPF3 (pre-mRNA processing factor 3; plus strand). Cytogenetic location: 1q21.2.
Variant type: single nucleotide variant.
Coding change: c.424-20A>G on transcript NM_004698.4 (MANE Select); 20 bases into the intron before coding-DNA position 424, A replaced by G.
Molecular consequence: intron variant.
Genome position (GRCh38, 1-based): chr1:150,332,664, A>G. VCF-style: chr1-150332664-A-G. GRCh37 (hg19) VCF-style: chr1-150305135-A-G.
Other names: c.19-20A>G (NM_001350529.1).
Identifiers: ClinVar variation 1961246 (VCV001961246.5), dbSNP rs59317452, ClinGen allele CA526045905.
Genomic context (GRCh38, chr1:150,332,664, plus strand): 5'-GCCTTGTGGGTTTAAAAACCTGAATGGGAGAAGTAAGAAGGAGAAATTAACAGTTTTTCA[A>G]TTTTTTTCCTGGAGAGCAGATCAAACAGATGATGGAGGCAGCAACACGACAAATCGAGGA-3'